The following is an entry in ClinVar:

ClinVar aggregate classification (germline): Uncertain significance (1 of 4 stars; one submission).

Submission:

Labcorp Genetics (formerly Invitae), Labcorp
Classification: Uncertain significance. Last evaluated: 2022-09-27. Review status: criteria provided, single submitter. Criteria: Invitae Variant Classification Sherloc (09022015). Collection method: clinical testing. Allele origin: germline.
Comment: This sequence change replaces aspartic acid, which is acidic and polar, with glutamic acid, which is acidic and polar, at codon 1004 of the POLR3A protein (p.Asp1004Glu). This variant is not present in population databases (gnomAD no frequency). In summary, the available evidence is currently insufficient to determine the role of this variant in disease. Therefore, it has been classified as a Variant of Uncertain Significance. Advanced modeling of protein sequence and biophysical properties (such as structural, functional, and spatial information, amino acid conservation, physicochemical variation, residue mobility, and thermodynamic stability) performed at Invitae indicates that this missense variant is not expected to disrupt POLR3A protein function. This variant has not been reported in the literature in individuals affected with POLR3A-related conditions.

NM_007055.4(POLR3A):c.3012C>G (p.Asp1004Glu)

Gene: POLR3A (RNA polymerase III subunit A; minus strand). Cytogenetic location: 10q22.3.
Variant type: single nucleotide variant.
Coding change: c.3012C>G on transcript NM_007055.4 (MANE Select); coding-DNA position 3012, C replaced by G.
Protein change: p.Asp1004Glu; replaces aspartic acid 1004 with glutamic acid.
Molecular consequence: missense variant.
Genome position (GRCh38, 1-based): chr10:77,985,962, G>C on the plus strand (C>G on the coding strand, the complement: POLR3A is on the minus strand). VCF-style: chr10-77985962-G-C. GRCh37 (hg19) VCF-style: chr10-79745720-G-C.
Other names: short protein forms D1004E.
Identifiers: ClinVar variation 1968780 (VCV001968780.5), dbSNP rs2493190643, ClinGen allele CA377331724.